The following is an entry in ClinVar:

ClinVar aggregate classification (germline): Uncertain significance (1 of 4 stars; one submission).

Submission:

GeneDx
Classification: Uncertain significance. Last evaluated: 2022-09-12. Review status: criteria provided, single submitter. Criteria: GeneDx Variant Classification Process June 2021. Collection method: clinical testing. Allele origin: germline. Affected: yes.
Comment: Occurs in the triple helical domain at the X position in the canonical Gly-X-Y repeat; although this variant may have an effect on normal protein folding and function, missense substitution at the X position is not a common mechanism of disease; In silico analysis supports that this missense variant does not alter protein structure/function; Not observed at significant frequency in large population cohorts (gnomAD); Has not been previously published as pathogenic or benign to our knowledge

NM_000091.5(COL4A3):c.815C>T (p.Pro272Leu)

Genes: COL4A3 (collagen type IV alpha 3 chain; plus strand), MFF-DT (MFF divergent transcript; minus strand). Cytogenetic location: 2q36.3.
Variant type: single nucleotide variant.
Coding change: c.815C>T on transcript NM_000091.5 (MANE Select); coding-DNA position 815, C replaced by T.
Protein change: p.Pro272Leu; replaces proline 272 with leucine.
Molecular consequence: missense variant.
Genome position (GRCh38, 1-based): chr2:227,254,161, C>T. VCF-style: chr2-227254161-C-T. GRCh37 (hg19) VCF-style: chr2-228118877-C-T.
Other names: short protein forms P272L.
Identifiers: ClinVar variation 2443449 (VCV002443449.1), dbSNP rs2469568827, ClinGen allele CA350865987.